The following is an entry in ClinVar:

ClinVar aggregate classification (germline): Conflicting classifications of pathogenicity. Review status: criteria provided, conflicting classifications (1 of 4 stars). 2 submissions from 2 submitters: Uncertain significance (1); Likely benign (1). Last evaluated 2024-12-15.

Conditions:
Inborn genetic diseases. Identifiers: MedGen C0950123, MeSH D030342.

Submissions (2):

Labcorp Genetics (formerly Invitae), Labcorp
Classification: Uncertain significance. Last evaluated: 2024-12-15. Review status: criteria provided, single submitter. Criteria: Invitae Variant Classification Sherloc (09022015). Collection method: clinical testing. Allele origin: germline.
Comment: This variant, c.372_386dup, results in the insertion of 5 amino acid(s) of the ARID1B protein (p.Gln127_Gln131dup), but otherwise preserves the integrity of the reading frame. This variant is not present in population databases (gnomAD no frequency). This variant has not been reported in the literature in individuals affected with ARID1B-related conditions. In summary, the available evidence is currently insufficient to determine the role of this variant in disease. Therefore, it has been classified as a Variant of Uncertain Significance.

Ambry Genetics
Classification: Likely benign for Inborn genetic diseases. Last evaluated: 2020-07-28. Review status: criteria provided, single submitter. Criteria: Ambry Variant Classification Scheme 2023. Collection method: clinical testing. Allele origin: germline.

NM_001374828.1(ARID1B):c.615GCA[12] (p.Gln214_His215insGlnGlnGlnGlnGln)

Genes: ARID1B (AT-rich interaction domain 1B; plus strand), LOC115308161 (uncharacterized LOC115308161; minus strand). Cytogenetic location: 6q25.3.
Variant type: Microsatellite.
Coding change: c.615GCA[12] on transcript NM_001374828.1 (MANE Select); 12 copies in a row of the 3-base unit GCA starting at c.615; the reference has seven copies in a row; five copies, 15 bases duplicated.
Protein change: p.Gln214_His215insGlnGlnGlnGlnGln.
Molecular consequence: inframe insertion. On other transcripts: inframe indel (1), non-coding transcript variant (1).
Genome position (GRCh38, 1-based): chr6:156,778,301-156,778,315, GCAGCAGCAGCAGCA duplicated; duplicating any 15 consecutive bases within chr6:156,778,293-156,778,315 gives the same sequence; the position shown is the placement nearest the transcript's 3' end. VCF-style (leftmost placement, unchanged base first): chr6-156778292-A-ACAGCAGCAGCAGCAG. GRCh37 (hg19) VCF-style: chr6-157099426-A-ACAGCAGCAGCAGCAG.
Other names: c.372_386dupGCAGCAGCAGCAGCA (NM_020732.3); c.615GCA[12], p.Gln214_His215insGlnGlnGlnGlnGln (NM_001371656.1, NM_001374820.1, NM_017519.3).
Identifiers: ClinVar variation 1734288 (VCV001734288.4), dbSNP rs587779744, ClinGen allele CA821296241.